The following is an entry in ClinVar:

NM_020791.4(TAOK1):c.492G>C (p.Gln164His)

Gene: TAOK1 (TAO kinase 1; plus strand). Cytogenetic location: 17q11.2.
Variant type: single nucleotide variant.
Coding change: c.492G>C on transcript NM_020791.4 (MANE Select); coding-DNA position 492, G replaced by C.
Protein change: p.Gln164His; replaces glutamine 164 with histidine.
Molecular consequence: missense variant.
Genome position (GRCh38, 1-based): chr17:29,480,410, G>C. VCF-style: chr17-29480410-G-C. GRCh37 (hg19) VCF-style: chr17-27807428-G-C.
Other names: c.492G>C, p.Gln164His (NM_025142.1); short protein forms Q164H.
Identifiers: ClinVar variation 3369652 (VCV003369652.1).

ClinVar aggregate classification (germline): Uncertain significance (1 of 4 stars; one submission).

Submission:

GeneDx
Classification: Uncertain significance. Last evaluated: 2024-02-25. Review status: criteria provided, single submitter. Criteria: GeneDx Variant Classification Process June 2021. Collection method: clinical testing. Allele origin: germline. Affected: yes.
Comment: Not observed at significant frequency in large population cohorts (gnomAD); In silico analysis supports that this missense variant does not alter protein structure/function; Has not been previously published as pathogenic or benign to our knowledge